The following is an entry in ClinVar:

NM_007199.3(IRAK3):c.381+10G>A

Gene: IRAK3 (interleukin 1 receptor associated kinase 3; plus strand). Cytogenetic location: 12q14.3.
Variant type: single nucleotide variant.
Coding change: c.381+10G>A on transcript NM_007199.3 (MANE Select); 10 bases into the intron after coding-DNA position 381, G replaced by A.
Molecular consequence: intron variant.
Genome position (GRCh38, 1-based): chr12:66,209,530, G>A. VCF-style: chr12-66209530-G-A. GRCh37 (hg19) VCF-style: chr12-66603310-G-A.
Other names: c.198+10G>A (NM_001142523.2).
Identifiers: ClinVar variation 3035734 (VCV003035734.2), dbSNP rs376280813, ClinGen allele CA6672604.
Genomic context (GRCh38, chr12:66,209,530, plus strand): 5'-CCTTCAGAGAAGAGTTATCAGGAAGGTGGATTTCCAAATATATTATTCAAGGTAGAGTAT[G>A]TGTGCATAGAAAATGAGCCTTGAACTTTGTTGCATGTATAATTGAGCATAAGGAATGAAA-3'

ClinVar aggregate classification (germline): Likely benign (0 of 4 stars; one submission).

Conditions:
IRAK3-related disorder. Also called: IRAK3-related condition.

Allele frequency attached by ClinVar (database versions not stated): gnomAD exomes 0.00003; ExAC 0.00006; TOPMed 0.00007; ESP Exome Variant Server 0.00008; gnomAD 0.00008.
gnomAD v4.1: 56 of 1,507,876 alleles (0.0037%); highest among the groups gnomAD compares: Non-Finnish European, 0.0049%; no homozygotes.

Submission:

PreventionGenetics, part of Exact Sciences
Classification: Likely benign for IRAK3-related condition. Last evaluated: 2019-09-09. Review status: no assertion criteria provided. Collection method: clinical testing. Allele origin: germline.
Comment: This variant is classified as likely benign based on ACMG/AMP sequence variant interpretation guidelines (Richards et al. 2015 PMID: 25741868, with internal and published modifications).